The following is an entry in ClinVar:

ClinVar aggregate classification (germline): Benign. Review status: criteria provided, multiple submitters, no conflicts (2 of 4 stars). 6 submissions from 6 submitters: Benign (5). 1 of the submissions does not count toward it. Last evaluated 2026-02-02.

Conditions:
Carnitine palmitoyl transferase 1A deficiency. Also called: Carnitine palmitoyltransferase 1A deficiency; CPT deficiency, hepatic, type IA; Carnitine palmitoyltransferase type I deficiency; CPT I DEFICIENCY; CPT DEFICIENCY, HEPATIC, TYPE I. Identifiers: Orphanet 156, MedGen C1829703, MONDO:0009705, OMIM 255120.

Allele frequency attached by ClinVar (database versions not stated): gnomAD exomes 0.00210; ExAC 0.00242; gnomAD 0.00707 and 0.00743; ESP Exome Variant Server 0.00739; TOPMed 0.00755; 1000 Genomes Project 0.01038; 1000 Genomes Project 30x 0.01124.
gnomAD v4.1: 2,132 of 1,614,158 alleles (0.13%); highest among the groups gnomAD compares: African/African-American, 2.4%; 20 homozygotes.

Submissions (6):

Labcorp Genetics (formerly Invitae), Labcorp
Classification: Benign for Carnitine palmitoyl transferase 1A deficiency. Last evaluated: 2026-02-02. Review status: criteria provided, single submitter. Criteria: Invitae Variant Classification Sherloc (09022015). Collection method: clinical testing. Allele origin: germline.

ARUP Laboratories, Molecular Genetics and Genomics, ARUP Laboratories
Classification: Benign for Carnitine palmitoyl transferase 1A deficiency. Last evaluated: 2022-01-13. Review status: criteria provided, single submitter. Criteria: ARUP Molecular Germline Variant Investigation Process 2021. Collection method: clinical testing. Allele origin: germline.

GeneDx
Classification: Benign. Last evaluated: 2017-04-04. Review status: criteria provided, single submitter. Criteria: GeneDx Variant Classification (06012015). Collection method: clinical testing. Allele origin: germline. Affected: yes.
Comment: This variant is considered likely benign or benign based on one or more of the following criteria: it is a conservative change, it occurs at a poorly conserved position in the protein, it is predicted to be benign by multiple in silico algorithms, and/or has population frequency not consistent with disease.

Eurofins Ntd Llc (ga)
Classification: Benign. Last evaluated: 2016-03-25. Review status: criteria provided, single submitter. Criteria: EGL Classification Definitions 2015. Collection method: clinical testing. Allele origin: germline. Observed: 1 variant allele, 1 heterozygote.

Breakthrough Genomics
Classification: Benign. Review status: criteria provided, single submitter. Criteria: ACMG Guidelines, 2015. Collection method: not provided. Allele origin: germline. Inheritance: Autosomal recessive inheritance. Affected: yes.

Natera, Inc.
Classification: Benign for Carnitine palmitoyltransferase type I deficiency. Last evaluated: 2020-09-16. Review status: no assertion criteria provided. Collection method: clinical testing. Allele origin: germline. Not counted in ClinVar's aggregate classification.

NM_001876.4(CPT1A):c.1908G>A (p.Ala636=)

Gene: CPT1A (carnitine palmitoyltransferase 1A; minus strand). Cytogenetic location: 11q13.3.
Variant type: single nucleotide variant.
Coding change: c.1908G>A on transcript NM_001876.4 (MANE Select); coding-DNA position 1908, G replaced by A.
Protein change: p.Ala636=; no amino-acid change (alanine 636 retained).
Molecular consequence: synonymous variant.
Genome position (GRCh38, 1-based): chr11:68,761,655, C>T on the plus strand (G>A on the coding strand, the complement: CPT1A is on the minus strand). VCF-style: chr11-68761655-C-T. GRCh37 (hg19) VCF-style: chr11-68529123-C-T.
Other names: c.1908G>A, p.Ala636= (NM_001031847.3).
Identifiers: ClinVar variation 287115 (VCV000287115.27), dbSNP rs111407620, ClinGen allele CA6152154.